The following is an entry in ClinVar:

ClinVar aggregate classification (germline): Uncertain significance (1 of 4 stars; one submission).

gnomAD v4.1: 9 of 1,614,086 alleles (0.00056%); highest among the groups gnomAD compares: East Asian, 0.0045%; no homozygotes.

Submission:

Labcorp Genetics (formerly Invitae), Labcorp
Classification: Uncertain significance. Last evaluated: 2024-04-22. Review status: criteria provided, single submitter. Criteria: Invitae Variant Classification Sherloc (09022015). Collection method: clinical testing. Allele origin: germline.
Comment: This sequence change replaces arginine, which is basic and polar, with cysteine, which is neutral and slightly polar, at codon 437 of the IGF1R protein (p.Arg437Cys). This variant is present in population databases (rs374465368, gnomAD 0.007%). This variant has not been reported in the literature in individuals affected with IGF1R-related conditions. Advanced modeling of protein sequence and biophysical properties (such as structural, functional, and spatial information, amino acid conservation, physicochemical variation, residue mobility, and thermodynamic stability) performed at Invitae indicates that this missense variant is expected to disrupt IGF1R protein function with a positive predictive value of 80%. In summary, the available evidence is currently insufficient to determine the role of this variant in disease. Therefore, it has been classified as a Variant of Uncertain Significance.

NM_000875.5(IGF1R):c.1309C>T (p.Arg437Cys)

Gene: IGF1R (insulin like growth factor 1 receptor; plus strand). Cytogenetic location: 15q26.3.
Variant type: single nucleotide variant.
Coding change: c.1309C>T on transcript NM_000875.5 (MANE Select); coding-DNA position 1309, C replaced by T.
Protein change: p.Arg437Cys; replaces arginine 437 with cysteine.
Molecular consequence: missense variant.
Genome position (GRCh38, 1-based): chr15:98,908,746, C>T. VCF-style: chr15-98908746-C-T. GRCh37 (hg19) VCF-style: chr15-99451975-C-T.
Other names: c.1309C>T, p.Arg437Cys (NM_001291858.2); short protein forms R437C.
Identifiers: ClinVar variation 3605490 (VCV003605490.2).